The following is an entry in ClinVar:

ClinVar aggregate classification (germline): Uncertain significance (1 of 4 stars; one submission).

Allele frequency attached by ClinVar (database versions not stated): gnomAD 0.00001; TOPMed 0.00002.
gnomAD v4.1: 2 of 1,611,670 alleles (0.00012%); highest among the groups gnomAD compares: Non-Finnish European, 0.00017%; no homozygotes.

Submission:

Labcorp Genetics (formerly Invitae), Labcorp
Classification: Uncertain significance. Last evaluated: 2022-05-03. Review status: criteria provided, single submitter. Criteria: Invitae Variant Classification Sherloc (09022015). Collection method: clinical testing. Allele origin: germline.
Comment: This variant is not present in population databases (gnomAD no frequency). This sequence change replaces alanine, which is neutral and non-polar, with threonine, which is neutral and polar, at codon 924 of the ABL1 protein (p.Ala924Thr). In summary, the available evidence is currently insufficient to determine the role of this variant in disease. Therefore, it has been classified as a Variant of Uncertain Significance. Advanced modeling of protein sequence and biophysical properties (such as structural, functional, and spatial information, amino acid conservation, physicochemical variation, residue mobility, and thermodynamic stability) performed at Invitae indicates that this missense variant is not expected to disrupt ABL1 protein function. This variant has not been reported in the literature in individuals affected with ABL1-related conditions.

NM_005157.6(ABL1):c.2713G>A (p.Ala905Thr)

Gene: ABL1 (ABL proto-oncogene 1, non-receptor tyrosine kinase; plus strand). Cytogenetic location: 9q34.12.
Variant type: single nucleotide variant.
Coding change: c.2713G>A on transcript NM_005157.6 (MANE Select); coding-DNA position 2713, G replaced by A.
Protein change: p.Ala905Thr; replaces alanine 905 with threonine.
Molecular consequence: missense variant.
Genome position (GRCh38, 1-based): chr9:130,885,003, G>A. VCF-style: chr9-130885003-G-A. GRCh37 (hg19) VCF-style: chr9-133760390-G-A.
Other names: c.2770G>A, p.Ala924Thr (NM_007313.3); short protein forms A905T, A924T.
Identifiers: ClinVar variation 2113872 (VCV002113872.4), dbSNP rs760177951, ClinGen allele CA375258099.